The following is an entry in ClinVar:

ClinVar aggregate classification (germline): Uncertain significance (1 of 4 stars; one submission).

Conditions:
Polycystic kidney disease, adult type (PKD1). Also called: POLYCYSTIC KIDNEY DISEASE, ADULT, TYPE I; Polycystic Kidney Disease 1, Autosomal Dominant; Polycystic kidney disease 1; Polycystic kidney disease 1, severe; Polycystic Kidney, Autosomal Dominant; POLYCYSTIC KIDNEY DISEASE 1 WITH OR WITHOUT POLYCYSTIC LIVER DISEASE. Identifiers: MedGen C3149841, MONDO:0008263, OMIM 173900.

Submission:

Juno Genomics, Hangzhou Juno Genomics, Inc
Classification: Uncertain significance for Polycystic kidney disease, adult type. Review status: criteria provided, single submitter. Criteria: ACMG Guidelines, 2015. Collection method: clinical testing. Allele origin: germline. Affected: yes.
Comment: Absent from controls (or at extremely low frequency if recessive) in Genome Aggregation Database, Exome Sequencing Project, 1000 Genomes Project, or Exome Aggregation Consortium.;Protein length changes due to in-frame deletions/insertions in a non-repeat region or stop-loss variants.;Patient's phenotype or family history is highly specific for a disease with a single genetic etiology.

NM_001009944.3(PKD1):c.3268_3276dup (p.Met1092_His1093insAsnValMet)

Gene: PKD1 (polycystin 1, transient receptor potential channel interacting; minus strand). Cytogenetic location: 16p13.3.
Variant type: Duplication.
Coding change: c.3268_3276dup on transcript NM_001009944.3 (MANE Select); coding-DNA positions 3268 to 3276, 9 bases duplicated (AATGTCATG; older notation c.3268_3276dupAATGTCATG).
Protein change: p.Met1092_His1093insAsnValMet.
Molecular consequence: inframe insertion.
Genome position (GRCh38, 1-based): chr16:2,112,359-2,112,367, CATGACATT duplicated on the plus strand (AATGTCATG on the coding strand, the reverse complement: PKD1 is on the minus strand). VCF-style (leftmost placement, unchanged base first): chr16-2112358-G-GCATGACATT. GRCh37 (hg19) VCF-style: chr16-2162359-G-GCATGACATT.
Other names: c.3268_3276dup, p.Met1092_His1093insAsnValMet (NM_000296.4).
Identifiers: ClinVar variation 3381983 (VCV003381983.2).
Genomic context (GRCh38, chr16:2,112,358, plus strand): 5'-GAGCCTGAAAGGCAGTGGCCCCCTCACCCCCTCATCCCTCACCTGGGGCAGCGTAGGTGT[G>GCATGACATT]CATGACATTGTGCTCCACCAGCACCTGGGCCACCGAGGGGTCTGGAACCGGGAAGGACTC-3'